The following is an entry in ClinVar:

NM_004006.3(DMD):c.8027+19C>A

Gene: DMD (dystrophin; minus strand). Cytogenetic location: Xp21.1.
Variant type: single nucleotide variant.
Coding change: c.8027+19C>A on transcript NM_004006.3 (MANE Select); 19 bases into the intron after coding-DNA position 8027, C replaced by A.
Molecular consequence: intron variant.
Genome position (GRCh38, 1-based): chrX:31,657,971, G>T on the plus strand (C>A on the coding strand, the complement: DMD is on the minus strand). VCF-style: chrX-31657971-G-T. GRCh37 (hg19) VCF-style: chrX-31676088-G-T.
Other names: c.8015+19C>A (NM_004009.3); c.7658+19C>A (NM_004010.3); c.8003+19C>A (NM_000109.4); c.4004+19C>A (NM_004011.4); c.3995+19C>A (NM_004012.4); c.647+19C>A (NM_004023.3, NM_004020.4, NM_004022.3 and 2 more transcripts).
Identifiers: ClinVar variation 1343578 (VCV001343578.1), dbSNP rs1202693482, ClinGen allele CA2573055263.

ClinVar aggregate classification (germline): Uncertain significance (1 of 4 stars; one submission).

Submission:

Women's Health and Genetics/Laboratory Corporation of America, LabCorp
Classification: Uncertain significance. Last evaluated: 2022-02-02. Review status: criteria provided, single submitter. Criteria: LabCorp Variant Classification Summary - May 2015. Collection method: clinical testing. Allele origin: germline.
Comment: Variant summary: DMD c.8027+19C>A alters a conserved nucleotide located close to a canonical splice site and therefore could affect mRNA splicing, leading to a significantly altered protein sequence. 4/4 computational tools predict no significant impact on normal splicing. However, these predictions have yet to be confirmed by functional studies. The variant was absent in 182099 control chromosomes. The available data on variant occurrences in the general population are insufficient to allow any conclusion about variant significance. To our knowledge, no occurrence of c.8027+19C>A in individuals affected with Dystrophinopathies and no experimental evidence demonstrating its impact on protein function have been reported. No clinical diagnostic laboratories have submitted clinical-significance assessments for this variant to ClinVar after 2014. Based on the evidence outlined above, the variant was classified as uncertain significance.